The following is an entry in ClinVar:

ClinVar aggregate classification (germline): Uncertain significance. Review status: criteria provided, multiple submitters, no conflicts (2 of 4 stars). 2 submissions from 2 submitters: Uncertain significance (2). Last evaluated 2025-01-07.

Allele frequency attached by ClinVar (database versions not stated): gnomAD 0.00002; gnomAD exomes 0.00002; TOPMed 0.00003.
gnomAD v4.1: 37 of 1,614,012 alleles (0.0023%); highest among the groups gnomAD compares: Admixed American, 0.0083%; no homozygotes.

Submissions (2):

Labcorp Genetics (formerly Invitae), Labcorp
Classification: Uncertain significance. Last evaluated: 2025-01-07. Review status: criteria provided, single submitter. Criteria: Invitae Variant Classification Sherloc (09022015). Collection method: clinical testing. Allele origin: germline.
Comment: This sequence change replaces aspartic acid, which is acidic and polar, with asparagine, which is neutral and polar, at codon 455 of the FN1 protein (p.Asp455Asn). This variant is present in population databases (no rsID available, gnomAD 0.01%). This missense change has been observed in individual(s) with nephrotic syndrome (PMID: 36964972). ClinVar contains an entry for this variant (Variation ID: 2072958). An algorithm developed to predict the effect of missense changes on protein structure and function (PolyPhen-2) suggests that this variant is likely to be disruptive. In summary, the available evidence is currently insufficient to determine the role of this variant in disease. Therefore, it has been classified as a Variant of Uncertain Significance.

CeGaT Center for Human Genetics Tuebingen
Classification: Uncertain significance. Last evaluated: 2024-03-01. Review status: criteria provided, single submitter. Criteria: CeGaT Center For Human Genetics Tuebingen Variant Classification Criteria Version 2. Collection method: clinical testing. Allele origin: germline. Affected: yes. Observed: 1 variant allele.

Literature cited by the submitters: PubMed 36964972 (cited by Labcorp Genetics (formerly Invitae), Labcorp).

NM_212482.4(FN1):c.1363G>A (p.Asp455Asn)

Genes: FN1 (fibronectin 1; minus strand), LOC126806498 (CDK7 strongly-dependent group 2 enhancer GRCh37_chr2:216288045-216289244; plus strand). Cytogenetic location: 2q35.
Variant type: single nucleotide variant.
Coding change: c.1363G>A on transcript NM_212482.4 (MANE Select); coding-DNA position 1363, G replaced by A.
Protein change: p.Asp455Asn; replaces aspartic acid 455 with asparagine.
Molecular consequence: missense variant.
Genome position (GRCh38, 1-based): chr2:215,423,380, C>T on the plus strand (G>A on the coding strand, the complement: FN1 is on the minus strand). VCF-style: chr2-215423380-C-T. GRCh37 (hg19) VCF-style: chr2-216288103-C-T.
Other names: c.1363G>A, p.Asp455Asn (NM_001306129.2, NM_001306130.2, NM_001306131.2 and 14 more transcripts); short protein forms D455N.
Identifiers: ClinVar variation 2072958 (VCV002072958.25), dbSNP rs949496981, ClinGen allele CA64829745.